The following is an entry in ClinVar:

NM_006389.5(HYOU1):c.1525C>T (p.Arg509Trp)

Gene: HYOU1 (hypoxia up-regulated 1; minus strand). Cytogenetic location: 11q23.3.
Variant type: single nucleotide variant.
Coding change: c.1525C>T on transcript NM_006389.5 (MANE Select); coding-DNA position 1525, C replaced by T.
Protein change: p.Arg509Trp; replaces arginine 509 with tryptophan.
Molecular consequence: missense variant.
Genome position (GRCh38, 1-based): chr11:119,051,439, G>A on the plus strand (C>T on the coding strand, the complement: HYOU1 is on the minus strand). VCF-style: chr11-119051439-G-A. GRCh37 (hg19) VCF-style: chr11-118922151-G-A.
Other names: c.1525C>T, p.Arg509Trp (NM_001130991.3); short protein forms R509W.
Identifiers: ClinVar variation 1435640 (VCV001435640.9), dbSNP rs377216245, ClinGen allele CA229621764.
Genomic context (GRCh38, chr11:119,051,439, plus strand): 5'-TATCCAGCAGCCACGCCTCCCCCTCCCTGGAGCTCCCATCCTACACCCCTGCCCCTCACC[G>A]AAGATCTTCAGGCCCCAGGAAGCCCAGGTCGCCGTAGTTGATGTGGAAGTTGAAATCATG-3'
Protein context (NP_006380.1, residues 499-519): DLGFLGPEDL[Arg509Trp]VFGSQNLTTV

ClinVar aggregate classification (germline): Uncertain significance (1 of 4 stars; one submission).

Allele frequency attached by ClinVar (database versions not stated): TOPMed below 0.00001; gnomAD exomes 0.00001.
gnomAD v4.1: 8 of 1,613,872 alleles (0.0005%); highest among the groups gnomAD compares: East Asian, 0.0045%; no homozygotes.

Submission:

Labcorp Genetics (formerly Invitae), Labcorp
Classification: Uncertain significance. Last evaluated: 2022-06-20. Review status: criteria provided, single submitter. Criteria: Invitae Variant Classification Sherloc (09022015). Collection method: clinical testing. Allele origin: germline.
Comment: In summary, the available evidence is currently insufficient to determine the role of this variant in disease. Therefore, it has been classified as a Variant of Uncertain Significance. Algorithms developed to predict the effect of sequence changes on RNA splicing suggest that this variant may disrupt the consensus splice site. Algorithms developed to predict the effect of missense changes on protein structure and function are either unavailable or do not agree on the potential impact of this missense change (SIFT: "Deleterious"; PolyPhen-2: "Possibly Damaging"; Align-GVGD: "Class C0"). This variant has not been reported in the literature in individuals affected with HYOU1-related conditions. This variant is present in population databases (rs377216245, gnomAD 0.009%). This sequence change replaces arginine, which is basic and polar, with tryptophan, which is neutral and slightly polar, at codon 509 of the HYOU1 protein (p.Arg509Trp).